The following is an entry in ClinVar:

NM_000452.3(SLC10A2):c.350A>C (p.Tyr117Ser)

Gene: SLC10A2 (solute carrier family 10 member 2; minus strand). Cytogenetic location: 13q33.1.
Variant type: single nucleotide variant.
Coding change: c.350A>C on transcript NM_000452.3 (MANE Select); coding-DNA position 350, A replaced by C.
Protein change: p.Tyr117Ser; replaces tyrosine 117 with serine.
Molecular consequence: missense variant.
Genome position (GRCh38, 1-based): chr13:103,065,900, T>G on the plus strand (A>C on the coding strand, the complement: SLC10A2 is on the minus strand). VCF-style: chr13-103065900-T-G. GRCh37 (hg19) VCF-style: chr13-103718250-T-G.
Other names: short protein forms Y117S.
Identifiers: ClinVar variation 2086354 (VCV002086354.4), dbSNP rs777025534, ClinGen allele CA7042275.

ClinVar aggregate classification (germline): Uncertain significance (1 of 4 stars; one submission).

Allele frequency attached by ClinVar (database versions not stated): ExAC 0.00002.

Submission:

Labcorp Genetics (formerly Invitae), Labcorp
Classification: Uncertain significance. Last evaluated: 2025-10-24. Review status: criteria provided, single submitter. Criteria: Invitae Variant Classification Sherloc (09022015). Collection method: clinical testing. Allele origin: germline.
Comment: This sequence change replaces tyrosine, which is neutral and polar, with serine, which is neutral and polar, at codon 117 of the SLC10A2 protein (p.Tyr117Ser). This variant is present in population databases (rs777025534, gnomAD 0.003%). This variant has not been reported in the literature in individuals affected with SLC10A2-related conditions. ClinVar contains an entry for this variant (Variation ID: 2086354). Invitae Evidence Modeling of protein sequence and biophysical properties (such as structural, functional, and spatial information, amino acid conservation, physicochemical variation, residue mobility, and thermodynamic stability) indicates that this missense variant is not expected to disrupt SLC10A2 protein function with a negative predictive value of 80%. In summary, the available evidence is currently insufficient to determine the role of this variant in disease. Therefore, it has been classified as a Variant of Uncertain Significance.